The following is an entry in ClinVar:

ClinVar aggregate classification (germline): Uncertain significance (1 of 4 stars; one submission).

Conditions:
X-linked Emery-Dreifuss muscular dystrophy. Also called: Muscular dystrophy, tardive Emery-Dreifuss type, with contractures. Identifiers: Orphanet 261, Orphanet 98863, MedGen C0751337, MONDO:0010680.

Allele frequency attached by ClinVar (database versions not stated): gnomAD 0.00001.

Submission:

Labcorp Genetics (formerly Invitae), Labcorp
Classification: Uncertain significance for X-linked Emery-Dreifuss muscular dystrophy. Last evaluated: 2025-02-12. Review status: criteria provided, single submitter. Criteria: Invitae Variant Classification Sherloc (09022015). Collection method: clinical testing. Allele origin: germline.
Comment: This sequence change replaces arginine, which is basic and polar, with leucine, which is neutral and non-polar, at codon 168 of the EMD protein (p.Arg168Leu). This variant is present in population databases (no rsID available, gnomAD 0.01%), including at least one homozygous and/or hemizygous individual. This variant has not been reported in the literature in individuals affected with EMD-related conditions. ClinVar contains an entry for this variant (Variation ID: 2742642). Invitae Evidence Modeling of protein sequence and biophysical properties (such as structural, functional, and spatial information, amino acid conservation, physicochemical variation, residue mobility, and thermodynamic stability) has been performed for this missense variant. However, the output from this modeling did not meet the statistical confidence thresholds required to predict the impact of this variant on EMD protein function. In summary, the available evidence is currently insufficient to determine the role of this variant in disease. Therefore, it has been classified as a Variant of Uncertain Significance.

NM_000117.3(EMD):c.503G>T (p.Arg168Leu)

Gene: EMD (emerin; plus strand). Cytogenetic location: Xq28.
Variant type: single nucleotide variant.
Coding change: c.503G>T on transcript NM_000117.3 (MANE Select); coding-DNA position 503, G replaced by T.
Protein change: p.Arg168Leu; replaces arginine 168 with leucine.
Molecular consequence: missense variant.
Genome position (GRCh38, 1-based): chrX:154,380,935, G>T. VCF-style: chrX-154380935-G-T. GRCh37 (hg19) VCF-style: chrX-153609295-G-T.
Other names: short protein forms R168L.
Identifiers: ClinVar variation 2742642 (VCV002742642.2), dbSNP rs898460509, ClinGen allele CA337290115.
Genomic context (GRCh38, chrX:154,380,935, plus strand): 5'-GCCTCAGGGAACGCCCCATGTACGGCCGGGACAGTGCCTACCAGAGCATCACGCACTACC[G>T]CCCTGTTTCAGCCTCCAGGAGCTCCCTGGACCTGTCCTATTATCCTACTTCCTCCTCCAC-3'
Protein context (NP_000108.1, residues 158-178): DSAYQSITHY[Arg168Leu]PVSASRSSLD